The following is an entry in ClinVar:

ClinVar aggregate classification (germline): Pathogenic (1 of 4 stars; one submission).

Conditions:
Congenital ocular coloboma. Also called: COLOBOMA OF IRIS, CHOROID, AND RETINA; COLOBOMA, UVEORETINAL; Coloboma of eye; Coloboma. Identifiers: Orphanet 194, MedGen C0009363, MONDO:0001476, HP:0000589.

Submission:

Genomics, Genetics and Epigenetics Laboratory, Medical College of Wisconsin
Classification: Pathogenic for Coloboma. Last evaluated: 2025-06-30. Review status: criteria provided, single submitter. Criteria: ACMG Guidelines, 2015. Collection method: research. Allele origin: de novo. Affected: yes.
Comment: The NM_001297595.2:c.382-2A>G is a splice acceptor variant with significant SpliceAI and Pangolin scores, predicted to cause a premature stop codon in exon 4 of 19, and thus likely targeted for nonsense-mediated decay. SIN3B exhibits constraint against loss-of-function variation in gnomAD v4.1.0. The variant is also de novo and absent in gnomAD v4.1.0.

Literature cited by the submitters: PubMed 41339071.

NM_001297595.2(SIN3B):c.382-2A>G

Gene: SIN3B (SIN3 transcription regulator family member B; plus strand). Cytogenetic location: 19p13.11.
Variant type: single nucleotide variant.
Coding change: c.382-2A>G on transcript NM_001297595.2 (MANE Select); the canonical splice acceptor site of the intron before coding-DNA position 382, A replaced by G.
Molecular consequence: splice acceptor variant.
Genome position (GRCh38, 1-based): chr19:16,841,766, A>G. VCF-style: chr19-16841766-A-G. GRCh37 (hg19) VCF-style: chr19-16952577-A-G.
Other names: c.382-2A>G (NM_015260.4).
Identifiers: ClinVar variation 4056086 (VCV004056086.1).